The following is an entry in ClinVar:

NM_001042492.3(NF1):c.5411C>G (p.Ala1804Gly)

Gene: NF1 (neurofibromin 1; plus strand). Cytogenetic location: 17q11.2.
Variant type: single nucleotide variant.
Coding change: c.5411C>G on transcript NM_001042492.3 (MANE Select); coding-DNA position 5411, C replaced by G.
Protein change: p.Ala1804Gly; replaces alanine 1804 with glycine.
Molecular consequence: missense variant.
Genome position (GRCh38, 1-based): chr17:31,327,641, C>G. VCF-style: chr17-31327641-C-G. GRCh37 (hg19) VCF-style: chr17-29654659-C-G.
Other names: c.5348C>G, p.Ala1783Gly (NM_000267.4); short protein forms A1783G, A1804G.
Identifiers: ClinVar variation 2045005 (VCV002045005.7), dbSNP rs2151541278, ClinGen allele CA399009381.

ClinVar aggregate classification (germline): Uncertain significance. Review status: criteria provided, multiple submitters, no conflicts (2 of 4 stars). 4 submissions from 4 submitters: Uncertain significance (4). Last evaluated 2026-04-02.

Conditions:
NF1-related disorder. Also called: NF1-related condition. Identifiers: MedGen CN379171.
Cardiovascular phenotype. Identifiers: MedGen CN230736.
Hereditary cancer-predisposing syndrome. Also called: Neoplastic Syndromes, Hereditary; Tumor predisposition; Hereditary Cancer Syndrome; Hereditary neoplastic syndrome. Identifiers: Orphanet 140162, MedGen C0027672, MeSH D009386, MONDO:0015356.
Neurofibromatosis, type 1 (NF1). Also called: VON RECKLINGHAUSEN DISEASE; NEUROFIBROMATOSIS, TYPE I, SOMATIC; Peripheral type neurofibromatosis; Neurofibromatosis, type I. Identifiers: Orphanet 636, MedGen C0027831, MONDO:0018975, OMIM 162200. Disease mechanism: loss of function.

Submissions (4):

Ambry Genetics
Classification: Uncertain significance for Cardiovascular phenotype; Hereditary cancer-predisposing syndrome. Last evaluated: 2026-04-02. Review status: criteria provided, single submitter. Criteria: Ambry Variant Classification Scheme 2023. Collection method: clinical testing. Allele origin: germline.
Comment: The p.A1783G variant (also known as c.5348C>G), located in coding exon 37 of the NF1 gene, results from a C to G substitution at nucleotide position 5348. The alanine at codon 1783 is replaced by glycine, an amino acid with similar properties. This amino acid position is well conserved in available vertebrate species. In addition, the in silico prediction for this alteration is inconclusive. Based on the available evidence, the clinical significance of this variant remains unclear.

Quest Diagnostics Nichols Institute San Juan Capistrano
Classification: Uncertain significance. Last evaluated: 2025-07-16. Review status: criteria provided, single submitter. Criteria: Quest Diagnostics criteria. Collection method: clinical testing. Allele origin: unknown.

Labcorp Genetics (formerly Invitae), Labcorp
Classification: Uncertain significance for Neurofibromatosis, type 1. Last evaluated: 2025-07-14. Review status: criteria provided, single submitter. Criteria: Invitae Variant Classification Sherloc (09022015). Collection method: clinical testing. Allele origin: germline.
Comment: This sequence change replaces alanine, which is neutral and non-polar, with glycine, which is neutral and non-polar, at codon 1783 of the NF1 protein (p.Ala1783Gly). This variant is not present in population databases (gnomAD no frequency). This variant has not been reported in the literature in individuals affected with NF1-related conditions. ClinVar contains an entry for this variant (Variation ID: 2045005). Invitae Evidence Modeling of protein sequence and biophysical properties (such as structural, functional, and spatial information, amino acid conservation, physicochemical variation, residue mobility, and thermodynamic stability) indicates that this missense variant is not expected to disrupt NF1 protein function with a negative predictive value of 95%. In summary, the available evidence is currently insufficient to determine the role of this variant in disease. Therefore, it has been classified as a Variant of Uncertain Significance.

PreventionGenetics, part of Exact Sciences
Classification: Uncertain significance for NF1-related condition. Last evaluated: 2023-09-28. Review status: criteria provided, single submitter. Criteria: ACMG Guidelines, 2015. Collection method: clinical testing. Allele origin: germline.
Comment: The NF1 c.5411C>G variant is predicted to result in the amino acid substitution p.Ala1804Gly. To our knowledge, this variant has not been reported in the literature or in a large population database, indicating this variant is rare. At this time, the clinical significance of this variant is uncertain due to the absence of conclusive functional and genetic evidence.